The following is an entry in ClinVar:

NM_001303256.3(MORC2):c.458G>A (p.Arg153Gln)

Gene: MORC2 (MORC family CW-type zinc finger 2; minus strand). Cytogenetic location: 22q12.2.
Variant type: single nucleotide variant.
Coding change: c.458G>A on transcript NM_001303256.3 (MANE Select); coding-DNA position 458, G replaced by A.
Protein change: p.Arg153Gln; replaces arginine 153 with glutamine.
Molecular consequence: missense variant.
Genome position (GRCh38, 1-based): chr22:30,942,240, C>T on the plus strand (G>A on the coding strand, the complement: MORC2 is on the minus strand). VCF-style: chr22-30942240-C-T. GRCh37 (hg19) VCF-style: chr22-31338227-C-T.
Other names: c.458G>A, p.Arg153Gln (NM_001303257.2); c.272G>A, p.Arg91Gln (NM_014941.3); short protein forms R91Q, R153Q.
Identifiers: ClinVar variation 849845 (VCV000849845.10), dbSNP rs768748502, ClinGen allele CA10187242.
Genomic context (GRCh38, chr22:30,942,240, plus strand): 5'-TAGATGAGTTCTGTCTCAATGGCAAATTTCTCTACATTGTCTGTGACAGGTTCCCGGGTC[C>T]GAGCATTCCAGGTGGGCAGTGGGACTATCACCTGTGGAGTAAACATGAGCAGGCACTTTA-3'
Protein context (NP_001290185.1, residues 143-163): VIVPLPTWNA[Arg153Gln]TREPVTDNVE

ClinVar aggregate classification (germline): Conflicting classifications of pathogenicity. Review status: criteria provided, conflicting classifications (1 of 4 stars). 3 submissions from 3 submitters: Uncertain significance (2); Likely benign (1). Last evaluated 2026-04-20.

Conditions:
Charcot-Marie-Tooth disease axonal type 2Z. Also called: CHARCOT-MARIE-TOOTH DISEASE, AXONAL, AUTOSOMAL DOMINANT, TYPE 2Z; CHARCOT-MARIE-TOOTH NEUROPATHY, TYPE 2Z. Identifiers: Orphanet 466768, MedGen C5569025, MONDO:0014736, OMIM 616688.
MORC2-related disorder. Also called: MORC2-related condition.

Allele frequency attached by ClinVar (database versions not stated): TOPMed below 0.00001; ExAC 0.00001; gnomAD 0.00001; gnomAD exomes 0.00001.
gnomAD v4.1: 11 of 1,613,078 alleles (0.00068%); highest among the groups gnomAD compares: Admixed American, 0.0033%; no homozygotes.

Submissions (3):

PreventionGenetics, part of Exact Sciences
Classification: Uncertain significance for MORC2-related condition. Last evaluated: 2026-04-20. Review status: criteria provided, single submitter. Criteria: ACMG Guidelines, 2015. Collection method: clinical testing. Allele origin: germline.
Comment: The MORC2 c.458G>A variant is predicted to result in the amino acid substitution p.Arg153Gln. To our knowledge, this variant has not been reported in the literature. This variant is reported in 0.00088% of alleles in individuals of European (non-Finnish) descent in gnomAD. At this time, the clinical significance of this variant is uncertain due to the absence of conclusive functional and genetic evidence.

Laboratory of Genetics, Children's Clinical University Hospital Latvia
Classification: Likely benign. Last evaluated: 2025-02-16. Review status: criteria provided, single submitter. Criteria: ACMG Guidelines, 2015. Collection method: clinical testing. Allele origin: germline. Affected: yes.

Labcorp Genetics (formerly Invitae), Labcorp
Classification: Uncertain significance for Charcot-Marie-Tooth disease axonal type 2Z. Last evaluated: 2019-03-14. Review status: criteria provided, single submitter. Criteria: Invitae Variant Classification Sherloc (09022015). Collection method: clinical testing. Allele origin: germline.
Comment: In summary, the available evidence is currently insufficient to determine the role of this variant in disease. Therefore, it has been classified as a Variant of Uncertain Significance. Algorithms developed to predict the effect of missense changes on protein structure and function output the following: SIFT: "Tolerated"; PolyPhen-2: "Benign"; Align-GVGD: "Class 0". The glutamine amino acid residue is found in multiple mammalian species, suggesting that this missense change does not adversely affect protein function. These predictions have not been confirmed by published functional studies and their clinical significance is uncertain. This variant has not been reported in the literature in individuals with MORC2-related conditions. This variant is present in population databases (rs768748502, ExAC 0.002%). This sequence change replaces arginine with glutamine at codon 153 of the MORC2 protein (p.Arg153Gln). The arginine residue is weakly conserved and there is a small physicochemical difference between arginine and glutamine.